The following is an entry in ClinVar:

ClinVar aggregate classification (germline): Pathogenic (1 of 4 stars; one submission).

Conditions:
Hyperphenylalaninemia due to DNAJC12 deficiency. Also called: Hyperphenylalaninemia, mild, non-bh4-deficient. Identifiers: Orphanet 508523, MedGen C4479270, MONDO:0044304, OMIM 617384.

Submission:

Women's Health and Genetics/Laboratory Corporation of America, LabCorp
Classification: Pathogenic for Hyperphenylalaninemia due to DNAJC12 deficiency. Last evaluated: 2024-09-16. Review status: criteria provided, single submitter. Criteria: LabCorp Variant Classification Summary - May 2015. Collection method: clinical testing. Allele origin: germline.
Comment: Variant summary: DNAJC12 c.411delA (p.Glu138ArgfsX18) results in a premature termination codon, predicted to cause absence of the protein due to nonsense mediated decay, which is a commonly known mechanism for disease. The variant was absent in 281894 control chromosomes (gnomAD). To our knowledge, no occurrence of c.411delA in individuals affected with Hyperphenylalaninemia Due To DNAJC12 Deficiency and no experimental evidence demonstrating its impact on protein function have been reported. No submitters have cited clinical-significance assessments for this variant to ClinVar. Based on the evidence outlined above, the variant was classified as pathogenic.

NM_021800.3(DNAJC12):c.411del (p.Glu138fs)

Gene: DNAJC12 (DnaJ heat shock protein family (Hsp40) member C12; minus strand). Cytogenetic location: 10q21.3.
Variant type: Deletion.
Coding change: c.411del on transcript NM_021800.3 (MANE Select); coding-DNA position 411, one base deleted (A; older notation c.411delA).
Protein change: p.Glu138fs; shifts the reading frame from glutamic acid 138.
Molecular consequence: frameshift variant.
Genome position (GRCh38, 1-based): chr10:67,805,674, T deleted on the plus strand (A on the coding strand, the reverse complement: DNAJC12 is on the minus strand); the first of 3 consecutive T bases (chr10:67,805,674-67,805,676); deleting any one gives the same sequence. VCF-style (leftmost placement, unchanged base first): chr10-67805673-CT-C. GRCh37 (hg19) VCF-style: chr10-69565431-CT-C.
Other names: c.411delA (NM_021800.3); short protein forms E138fs.
Identifiers: ClinVar variation 3374776 (VCV003374776.1).